The following is an entry in ClinVar:

ClinVar aggregate classification (germline): Uncertain significance (1 of 4 stars; one submission).

Allele frequency attached by ClinVar (database versions not stated): gnomAD exomes below 0.00001.
gnomAD v4.1: 8 of 1,614,166 alleles (0.0005%); highest among the groups gnomAD compares: Non-Finnish European, 0.00051%; no homozygotes.

Submission:

GeneDx
Classification: Uncertain significance. Last evaluated: 2019-12-03. Review status: criteria provided, single submitter. Criteria: GeneDx Variant Classification Process June 2021. Collection method: clinical testing. Allele origin: germline. Affected: yes.
Comment: Not observed in large population cohorts (Lek et al., 2016); In silico analysis, which includes protein predictors and evolutionary conservation, supports a deleterious effect; Has not been previously published as pathogenic or benign to our knowledge

NM_015386.3(COG4):c.1468G>A (p.Glu490Lys)

Gene: COG4 (component of oligomeric golgi complex 4; minus strand). Cytogenetic location: 16q22.1.
Variant type: single nucleotide variant.
Coding change: c.1468G>A on transcript NM_015386.3 (MANE Select); coding-DNA position 1468, G replaced by A.
Protein change: p.Glu490Lys; replaces glutamic acid 490 with lysine.
Molecular consequence: missense variant. On other transcripts: non-coding transcript variant (1).
Genome position (GRCh38, 1-based): chr16:70,497,234, C>T on the plus strand (G>A on the coding strand, the complement: COG4 is on the minus strand). VCF-style: chr16-70497234-C-T. GRCh37 (hg19) VCF-style: chr16-70531137-C-T.
Other names: c.1456G>A, p.Glu486Lys (NM_001195139.2); c.1042G>A, p.Glu348Lys (NM_001365426.1); short protein forms E348K, E486K, E490K.
Identifiers: ClinVar variation 1310464 (VCV001310464.2), dbSNP rs2049357674, ClinGen allele CA396573178.